The following is an entry in ClinVar:

ClinVar aggregate classification (germline): Uncertain significance (1 of 4 stars; one submission).

Conditions:
SMAD6-related disease. Also called: SMAD6-related condition; SMAD6-related disorder. Identifiers: MedGen CN381596, MONDO:0700324.

Allele frequency attached by ClinVar (database versions not stated): gnomAD exomes below 0.00001.
gnomAD v4.1: 2 of 1,311,552 alleles (0.00015%); highest among the groups gnomAD compares: Non-Finnish European, 0.00019%; no homozygotes.

Submission:

PreventionGenetics, part of Exact Sciences
Classification: Uncertain significance for SMAD6-related condition. Last evaluated: 2025-07-08. Review status: criteria provided, single submitter. Criteria: ACMG Guidelines, 2015. Collection method: clinical testing. Allele origin: germline.
Comment: The SMAD6 c.626C>G variant is predicted to result in the amino acid substitution p.Pro209Arg. To our knowledge, this variant has not been reported in the literature or in a large population database (gnomAD), indicating this variant is rare. At this time, the clinical significance of this variant is uncertain due to the absence of conclusive functional and genetic evidence.

NM_005585.5(SMAD6):c.626C>G (p.Pro209Arg)

Gene: SMAD6 (SMAD family member 6; plus strand). Cytogenetic location: 15q22.31.
Variant type: single nucleotide variant.
Coding change: c.626C>G on transcript NM_005585.5 (MANE Select); coding-DNA position 626, C replaced by G.
Protein change: p.Pro209Arg; replaces proline 209 with arginine.
Molecular consequence: missense variant. On other transcripts: non-coding transcript variant (1).
Genome position (GRCh38, 1-based): chr15:66,703,884, C>G. VCF-style: chr15-66703884-C-G. GRCh37 (hg19) VCF-style: chr15-66996222-C-G.
Other names: short protein forms P209R.
Identifiers: ClinVar variation 2628520 (VCV002628520.2), dbSNP rs2545312543, ClinGen allele CA392949923.